The following is an entry in ClinVar:

ClinVar aggregate classification (germline): Uncertain significance. Review status: criteria provided, single submitter (1 of 4 stars). 2 submissions from 2 submitters: Uncertain significance (1). 1 of the submissions does not count toward it. Last evaluated 2026-04-14.

Conditions:
ABCB11-related disorder. Also called: ABCB11-related condition.
Familial intrahepatic cholestasis. Identifiers: Orphanet 284385, MedGen CN296401, MONDO:0017290.

Allele frequency attached by ClinVar (database versions not stated): TOPMed 0.00002; gnomAD 0.00003; 1000 Genomes Project 30x 0.00031; gnomAD exomes 0.00002.
gnomAD v4.1: 29 of 1,612,588 alleles (0.0018%); highest among the groups gnomAD compares: African/African-American, 0.011%; no homozygotes.

Submissions (2):

Genomenon, Inc
Classification: Uncertain significance for Familial intrahepatic cholestasis. Last evaluated: 2026-04-14. Review status: criteria provided, single submitter. Criteria: Genomenon Sequence Variant Interpretation Standards - Updated. Collection method: curation. Allele origin: germline. Affected: no.
Comment: ABCB11 p.Thr619Ala (c.1855A>G) is a missense variant that changes the amino acid at residue 619 from Threonine to Alanine. This variant has been reported in the published literature (PMID:22795478;16763017;19571440). It is absent or not present at a significant frequency in gnomAD. In silico models predict that this variant is not damaging. In conclusion, we classify ABCB11 p.Thr619Ala (c.1855A>G) as a variant of uncertain significance.

PreventionGenetics, part of Exact Sciences
Classification: Uncertain significance for ABCB11-related condition. Last evaluated: 2023-11-08. Review status: no assertion criteria provided. Collection method: clinical testing. Allele origin: germline. Not counted in ClinVar's aggregate classification.
Comment: The ABCB11 c.1855A>G variant is predicted to result in the amino acid substitution p.Thr619Ala. To our knowledge, this variant has not been reported in the literature. This variant is reported in 0.0065% of alleles in individuals of African descent in gnomAD. At this time, the clinical significance of this variant is uncertain due to the absence of conclusive functional and genetic evidence. This variant is not reported in ClinVar.

Literature cited by the submitters: PubMed 22795478 (cited by Genomenon, Inc); PubMed 16763017 (cited by Genomenon, Inc); PubMed 19571440 (cited by Genomenon, Inc).

NM_003742.4(ABCB11):c.1855A>G (p.Thr619Ala)

Gene: ABCB11 (ATP binding cassette subfamily B member 11; minus strand). Cytogenetic location: 2q31.1.
Variant type: single nucleotide variant.
Coding change: c.1855A>G on transcript NM_003742.4 (MANE Select); coding-DNA position 1855, A replaced by G.
Protein change: p.Thr619Ala; replaces threonine 619 with alanine.
Molecular consequence: missense variant.
Genome position (GRCh38, 1-based): chr2:168,969,506, T>C on the plus strand (A>G on the coding strand, the complement: ABCB11 is on the minus strand). VCF-style: chr2-168969506-T-C. GRCh37 (hg19) VCF-style: chr2-169826016-T-C.
Other names: short protein forms T619A.
Identifiers: ClinVar variation 3061606 (VCV003061606.3), dbSNP rs912519986, ClinGen allele CA59879764.